The following is an entry in ClinVar:

NM_020549.5(CHAT):c.1869C>A (p.His623Gln)

Gene: CHAT (choline O-acetyltransferase; plus strand). Cytogenetic location: 10q11.23.
Variant type: single nucleotide variant.
Coding change: c.1869C>A on transcript NM_020549.5 (MANE Select); coding-DNA position 1869, C replaced by A.
Protein change: p.His623Gln; replaces histidine 623 with glutamine.
Molecular consequence: missense variant.
Genome position (GRCh38, 1-based): chr10:49,662,674, C>A. VCF-style: chr10-49662674-C-A. GRCh37 (hg19) VCF-style: chr10-50870720-C-A.
Other names: c.1515C>A, p.His505Gln (NM_001142929.2, NM_001142934.2, NM_020984.4 and 2 more transcripts); c.1623C>A, p.His541Gln (NM_001142933.2); short protein forms H505Q, H541Q, H623Q.
Identifiers: ClinVar variation 4708037 (VCV004708037.1).

ClinVar aggregate classification (germline): Uncertain significance (1 of 4 stars; one submission).

Conditions:
Familial infantile myasthenia (CMS6). Also called: Congenital myasthenic syndrome type 6; MYASTHENIC SYNDROME, PRESYNAPTIC, CONGENITAL, ASSOCIATED WITH EPISODIC APNEA; MYASTHENIC SYNDROME, CONGENITAL, 6, PRESYNAPTIC. Identifiers: Orphanet 590, MedGen C0393929, MONDO:0009689, OMIM 254210.

gnomAD v4.1: 5 of 1,614,232 alleles (0.00031%); highest among the groups gnomAD compares: Non-Finnish European, 0.00042%; no homozygotes.

Submission:

Labcorp Genetics (formerly Invitae), Labcorp
Classification: Uncertain significance for Familial infantile myasthenia. Last evaluated: 2025-11-23. Review status: criteria provided, single submitter. Criteria: Invitae Variant Classification Sherloc (09022015). Collection method: clinical testing. Allele origin: germline.
Comment: This sequence change replaces histidine, which is basic and polar, with glutamine, which is neutral and polar, at codon 623 of the CHAT protein (p.His623Gln). This variant is present in population databases (no rsID available, gnomAD 0.002%). This variant has not been reported in the literature in individuals affected with CHAT-related conditions. Invitae Evidence Modeling of protein sequence and biophysical properties (such as structural, functional, and spatial information, amino acid conservation, physicochemical variation, residue mobility, and thermodynamic stability) indicates that this missense variant is expected to disrupt CHAT protein function with a positive predictive value of 95%. In summary, the available evidence is currently insufficient to determine the role of this variant in disease. Therefore, it has been classified as a Variant of Uncertain Significance.